The following is an entry in ClinVar:

ClinVar aggregate classification (germline): Pathogenic. Review status: criteria provided, multiple submitters, no conflicts (2 of 4 stars). 3 submissions from 3 submitters: Pathogenic (2). 1 of the submissions does not count toward it. Last evaluated 2026-04-14.

Conditions:
Fanconi anemia complementation group J. Also called: BRIP1-Related Fanconi Anemia. Identifiers: Orphanet 84, MedGen C1836860, MONDO:0012187, OMIM 609054.
Familial cancer of breast. Also called: Hereditary breast cancer; BREAST CANCER, FAMILIAL; hereditary breast carcinoma. Identifiers: Orphanet 227535, MedGen C0346153, MONDO:0016419, OMIM 114480. Disease mechanism: loss of function.
Hereditary cancer-predisposing syndrome. Also called: Tumor predisposition; Hereditary Cancer Syndrome; Hereditary neoplastic syndrome; Neoplastic Syndromes, Hereditary. Identifiers: Orphanet 140162, MedGen C0027672, MeSH D009386, MONDO:0015356.

Submissions (3):

Ambry Genetics
Classification: Pathogenic for Hereditary cancer-predisposing syndrome. Last evaluated: 2026-04-14. Review status: criteria provided, single submitter. Criteria: Ambry Variant Classification Scheme 2023. Collection method: clinical testing. Allele origin: germline.
Comment: The c.2120delG variant, located in coding exon 14 of the BRIP1 gene, results from a deletion of one nucleotide at nucleotide position 2120, causing a translational frameshift with a predicted alternate stop codon (p.R707Lfs*14). This variant is considered to be rare based on population cohorts in the Genome Aggregation Database (gnomAD). This alteration is expected to result in loss of function by premature protein truncation or nonsense-mediated mRNA decay. As such, this alteration is interpreted as a disease-causing mutation.

Labcorp Genetics (formerly Invitae), Labcorp
Classification: Pathogenic for Familial cancer of breast; Fanconi anemia complementation group J. Last evaluated: 2023-08-23. Review status: criteria provided, single submitter. Criteria: Invitae Variant Classification Sherloc (09022015). Collection method: clinical testing. Allele origin: germline.
Comment: This sequence change creates a premature translational stop signal (p.Arg707Leufs*14) in the BRIP1 gene. It is expected to result in an absent or disrupted protein product. Loss-of-function variants in BRIP1 are known to be pathogenic (PMID: 16116423, 17033622, 21964575). This variant is not present in population databases (gnomAD no frequency). This variant has not been reported in the literature in individuals affected with BRIP1-related conditions. ClinVar contains an entry for this variant (Variation ID: 2443085). For these reasons, this variant has been classified as Pathogenic.

Genetic Services Laboratory, University of Chicago
Classification: Likely pathogenic. Last evaluated: 2022-03-25. Review status: no assertion criteria provided. Collection method: clinical testing. Allele origin: germline. Affected: yes. Not counted in ClinVar's aggregate classification.
Comment: DNA sequence analysis of the BRIP1 gene demonstrated a single base pair deletion in exon 15, c.2120del. This sequence change results in an amino acid frameshift and creates a premature stop codon 13 amino acids downstream of the change, p.Arg707Leufs*14. This sequence change is predicted to result in an abnormal transcript, which may be degraded, or may lead to the production of a truncated BRIP1 protein with potentially abnormal function. This sequence change has not been previously described in individuals with BRIP1-related disorders. Loss of function variants are known to be pathogenic in BRIP1 and occur both upstream and downstream of the c.2120del (p.Arg707Leufs*14) sequence change. The c.2120del sequence change has not been described in the population databases such as ExAC and gnomAD. This sequence change is likely pathogenic, however functional studies have not been performed to prove this conclusively.

Literature cited by the submitters: PubMed 16116423 (cited by Labcorp Genetics (formerly Invitae), Labcorp); PubMed 17033622 (cited by Labcorp Genetics (formerly Invitae), Labcorp); PubMed 21964575 (cited by Labcorp Genetics (formerly Invitae), Labcorp).

NM_032043.3(BRIP1):c.2120del (p.Arg707fs)

Gene: BRIP1 (BRCA1 interacting DNA helicase 1; minus strand). Cytogenetic location: 17q23.2.
Variant type: Deletion.
Coding change: c.2120del on transcript NM_032043.3 (MANE Select); coding-DNA position 2120, one base deleted (G; older notation c.2120delG).
Protein change: p.Arg707fs; shifts the reading frame from arginine 707.
Molecular consequence: frameshift variant.
Genome position (GRCh38, 1-based): chr17:61,744,569, C deleted on the plus strand (G on the coding strand, the reverse complement: BRIP1 is on the minus strand). VCF-style (leftmost placement, unchanged base first): chr17-61744568-AC-A. GRCh37 (hg19) VCF-style: chr17-59821929-AC-A.
Other names: short protein forms R707fs.
Identifiers: ClinVar variation 2443085 (VCV002443085.6), dbSNP rs2470194710, ClinGen allele CA2580094494.